The following is an entry in ClinVar:

NM_000179.3(MSH6):c.3646+29CTAT[3]

Gene: MSH6 (mutS homolog 6; plus strand). Cytogenetic location: 2p16.3.
Variant type: Microsatellite.
Coding change: c.3646+29CTAT[3] on transcript NM_000179.3 (MANE Select); three copies in a row of the 4-base unit CTAT starting at c.3646+29.
Molecular consequence: intron variant.
Genome position: GRCh38 VCF-style: chr2-47805735-A-ACTAT. GRCh37 (hg19) VCF-style: chr2-48032874-A-ACTAT.
Other names: c.2740+29CTAT[3] (NM_001281493.2, NM_001281494.2); c.3256+29CTAT[3] (NM_001281492.2); c.3646+35_3646+38dup (NM_000179.2).
Identifiers: ClinVar variation 89430 (VCV000089430.3), dbSNP rs1805181, ClinGen allele CA330543.

ClinVar aggregate classification (germline): Benign (3 of 4 stars; one submission).

Conditions:
Lynch syndrome. Identifiers: Orphanet 144, MedGen C4552100, MONDO:0005835. Disease mechanism: loss of function.

Submission:

International Society for Gastrointestinal Hereditary Tumours (InSiGHT)
Classification: Benign for Lynch Syndrome. Last evaluated: 2013-09-05. Review status: reviewed by expert panel. Criteria: Guidelines v1.9. Collection method: research. Allele origin: germline.
Comment: MAF >1%

Classified with v1.9 guidelines
ClinVar note: Converted during submission from no known pathogenicity to Benign.